The following is an entry in ClinVar:

ClinVar aggregate classification (germline): Uncertain significance (1 of 4 stars; one submission).

Submission:

Labcorp Genetics (formerly Invitae), Labcorp
Classification: Uncertain significance. Last evaluated: 2025-04-23. Review status: criteria provided, single submitter. Criteria: Invitae Variant Classification Sherloc (09022015). Collection method: clinical testing. Allele origin: germline.
Comment: This sequence change falls in intron 1 of the COL9A3 gene. It does not directly change the encoded amino acid sequence of the COL9A3 protein. It affects a nucleotide within the consensus splice site. This variant is not present in population databases (gnomAD no frequency). This variant has not been reported in the literature in individuals affected with COL9A3-related conditions. ClinVar contains an entry for this variant (Variation ID: 1935634). Variants that disrupt the consensus splice site are a relatively common cause of aberrant splicing (PMID: 17576681, 9536098). Algorithms developed to predict the effect of sequence changes on RNA splicing suggest that this variant is not likely to affect RNA splicing. In summary, the available evidence is currently insufficient to determine the role of this variant in disease. Therefore, it has been classified as a Variant of Uncertain Significance.

Literature cited by the submitters: PubMed 17576681; PubMed 9536098.

NM_001853.4(COL9A3):c.79-3C>T

Gene: COL9A3 (collagen type IX alpha 3 chain; plus strand). Cytogenetic location: 20q13.33.
Variant type: single nucleotide variant.
Coding change: c.79-3C>T on transcript NM_001853.4 (MANE Select); 3 bases into the intron before coding-DNA position 79, C replaced by T.
Molecular consequence: intron variant.
Genome position (GRCh38, 1-based): chr20:62,817,564, C>T. VCF-style: chr20-62817564-C-T. GRCh37 (hg19) VCF-style: chr20-61448916-C-T.
Identifiers: ClinVar variation 1935634 (VCV001935634.5), dbSNP rs2516017681, ClinGen allele CA511164762.